The following is an entry in ClinVar:

NM_012073.5(CCT5):c.1317+3A>G

Gene: CCT5 (chaperonin containing TCP1 subunit 5; plus strand). Cytogenetic location: 5p15.2.
Variant type: single nucleotide variant.
Coding change: c.1317+3A>G on transcript NM_012073.5 (MANE Select); 3 bases into the intron after coding-DNA position 1317, A replaced by G.
Molecular consequence: intron variant.
Genome position (GRCh38, 1-based): chr5:10,262,621, A>G. VCF-style: chr5-10262621-A-G. GRCh37 (hg19) VCF-style: chr5-10262733-A-G.
Other names: c.1254+3A>G (NM_001306153.1); c.1152+3A>G (NM_001306154.2); c.1203+3A>G (NM_001306156.2); c.1038+3A>G (NM_001306155.2).
Identifiers: ClinVar variation 2731192 (VCV002731192.3), dbSNP rs1020211399, ClinGen allele CA113885060.
Genomic context (GRCh38, chr5:10,262,621, plus strand): 5'-TGGAGGAGGGGCTGCTGAGATATCCTGTGCCCTGGCAGTTAGCCAAGAGGCGGATAAGGT[A>G]AGGGATCTGTGCAGACTTAGTGAAAGATTCAGGCCTCGCTGATGGTGGAGACTGTGAAGC-3'

ClinVar aggregate classification (germline): Uncertain significance (1 of 4 stars; one submission).

Conditions:
Hereditary sensory and autonomic neuropathy with spastic paraplegia (HSNSP). Identifiers: Orphanet 139578, MedGen C1850395, MONDO:0009748, OMIM 256840.

Allele frequency attached by ClinVar (database versions not stated): gnomAD 0.00001; gnomAD exomes 0.00001; TOPMed 0.00004.
gnomAD v4.1: 10 of 1,613,970 alleles (0.00062%); highest among the groups gnomAD compares: Admixed American, 0.013%; no homozygotes.

Submission:

Labcorp Genetics (formerly Invitae), Labcorp
Classification: Uncertain significance for Hereditary sensory and autonomic neuropathy with spastic paraplegia. Last evaluated: 2024-11-18. Review status: criteria provided, single submitter. Criteria: Invitae Variant Classification Sherloc (09022015). Collection method: clinical testing. Allele origin: germline.
Comment: This sequence change falls in intron 9 of the CCT5 gene. It does not directly change the encoded amino acid sequence of the CCT5 protein. It affects a nucleotide within the consensus splice site. This variant is present in population databases (no rsID available, gnomAD 0.01%). This variant has not been reported in the literature in individuals affected with CCT5-related conditions. ClinVar contains an entry for this variant (Variation ID: 2731192). Variants that disrupt the consensus splice site are a relatively common cause of aberrant splicing (PMID: 17576681, 9536098). Algorithms developed to predict the effect of sequence changes on RNA splicing suggest that this variant may create or strengthen a splice site. In summary, the available evidence is currently insufficient to determine the role of this variant in disease. Therefore, it has been classified as a Variant of Uncertain Significance.

Literature cited by the submitters: PubMed 17576681; PubMed 9536098.